The following is an entry in ClinVar:

ClinVar aggregate classification (germline): Uncertain significance. Review status: criteria provided, multiple submitters, no conflicts (2 of 4 stars). 2 submissions from 2 submitters: Uncertain significance (2). Last evaluated 2025-08-24.

gnomAD v4.1: 15 of 1,612,496 alleles (0.00093%); highest among the groups gnomAD compares: African/African-American, 0.0053%; no homozygotes.

Submissions (2):

Ambry Genetics
Classification: Uncertain significance. Last evaluated: 2025-08-24. Review status: criteria provided, single submitter. Criteria: Ambry Variant Classification Scheme 2023. Collection method: clinical testing. Allele origin: germline.

Labcorp Genetics (formerly Invitae), Labcorp
Classification: Uncertain significance. Last evaluated: 2025-06-11. Review status: criteria provided, single submitter. Criteria: Invitae Variant Classification Sherloc (09022015). Collection method: clinical testing. Allele origin: germline.
Comment: This sequence change replaces serine, which is neutral and polar, with leucine, which is neutral and non-polar, at codon 2272 of the HMCN1 protein (p.Ser2272Leu). This variant is present in population databases (rs772742072, gnomAD 0.008%). This variant has not been reported in the literature in individuals affected with HMCN1-related conditions. An algorithm developed to predict the effect of missense changes on protein structure and function (PolyPhen-2) suggests that this variant is likely to be disruptive. In summary, the available evidence is currently insufficient to determine the role of this variant in disease. Therefore, it has been classified as a Variant of Uncertain Significance.

NM_031935.3(HMCN1):c.6815C>T (p.Ser2272Leu)

Gene: HMCN1 (hemicentin 1; plus strand). Cytogenetic location: 1q31.1.
Variant type: single nucleotide variant.
Coding change: c.6815C>T on transcript NM_031935.3 (MANE Select); coding-DNA position 6815, C replaced by T.
Protein change: p.Ser2272Leu; replaces serine 2272 with leucine.
Molecular consequence: missense variant.
Genome position (GRCh38, 1-based): chr1:186,053,939, C>T. VCF-style: chr1-186053939-C-T. GRCh37 (hg19) VCF-style: chr1-186023071-C-T.
Other names: short protein forms S2272L.
Identifiers: ClinVar variation 4271222 (VCV004271222.2).